The following is an entry in ClinVar:

NM_001195305.3(BBIP1):c.38-6085G>A

Gene: BBIP1 (BBSome interacting protein 1; minus strand). Cytogenetic location: 10q25.2.
Variant type: single nucleotide variant.
Coding change: c.38-6085G>A on transcript NM_001195305.3 (MANE Select); 6085 bases into the intron before coding-DNA position 38, G replaced by A.
Molecular consequence: intron variant. On other transcripts: synonymous variant (1).
Genome position (GRCh38, 1-based): chr10:110,907,697, C>T on the plus strand (G>A on the coding strand, the complement: BBIP1 is on the minus strand). VCF-style: chr10-110907697-C-T. GRCh37 (hg19) VCF-style: chr10-112667455-C-T.
Other names: c.177G>A, p.Gly59= (NM_001195304.2); c.38-6085G>A (NM_001195306.2); c.-29-6085G>A (NM_001243783.3); c.38-7171G>A (NM_001195307.2).
Identifiers: ClinVar variation 3043913 (VCV003043913.2), dbSNP rs984212075, ClinGen allele CA213252044.

ClinVar aggregate classification (germline): Likely benign (0 of 4 stars; one submission).

Conditions:
BBIP1-related disorder. Also called: BBIP1-related condition.

Allele frequency attached by ClinVar (database versions not stated): gnomAD exomes 0.00001; TOPMed 0.00002.
gnomAD v4.1: 5 of 695,810 alleles (0.00072%); highest among the groups gnomAD compares: Admixed American, 0.0082%; no homozygotes.

Submission:

PreventionGenetics, part of Exact Sciences
Classification: Likely benign for BBIP1-related condition. Last evaluated: 2022-01-25. Review status: no assertion criteria provided. Collection method: clinical testing. Allele origin: germline.
Comment: This variant is classified as likely benign based on ACMG/AMP sequence variant interpretation guidelines (Richards et al. 2015 PMID: 25741868, with internal and published modifications).